The following is an entry in ClinVar:

ClinVar aggregate classification (germline): Pathogenic (1 of 4 stars; one submission).

Conditions:
CHD7-related CHARGE syndrome. Identifiers: MedGen CN380413, MONDO:1010178, OMIM 214800.

Submission:

Molecular Genetics Laboratory, Motol Hospital
Classification: Pathogenic for CHD7-related CHARGE syndrome. Last evaluated: 2018-04-20. Review status: criteria provided, single submitter. Criteria: ACMG Guidelines, 2015. Collection method: clinical testing. Allele origin: de novo. Affected: yes. Observed: 1 variant allele.
Comment: Rare loss-of-function variants in the CHD7 gene are associated with autosomal dominant CHARGE syndrome (MIM:214800). Rare variant not present in the non-Finnish European poulation (gnomAD v4.1.0). The variant is classified as pathogenic.

NM_017780.4(CHD7):c.7814del (p.Met2605fs)

Gene: CHD7 (chromodomain helicase DNA binding protein 7; plus strand). Cytogenetic location: 8q12.2.
Variant type: Deletion.
Coding change: c.7814del on transcript NM_017780.4 (MANE Select); coding-DNA position 7814, one base deleted (T; older notation c.7814delT).
Protein change: p.Met2605fs; shifts the reading frame from methionine 2605.
Molecular consequence: frameshift variant. On other transcripts: intron variant (1).
Genome position (GRCh38, 1-based): chr8:60,861,109, T deleted. VCF-style (leftmost placement, unchanged base first): chr8-60861108-AT-A. GRCh37 (hg19) VCF-style: chr8-61773667-AT-A.
Other names: c.1717-1120del (NM_001316690.1); c.7814delT (NM_017780.4); short protein forms M2605fs.
Identifiers: ClinVar variation 4819318 (VCV004819318.1).